The following is an entry in ClinVar:

NM_206933.4(USH2A):c.6805G>C (p.Gly2269Arg)

Gene: USH2A (usherin; minus strand). Cytogenetic location: 1q41.
Variant type: single nucleotide variant.
Coding change: c.6805G>C on transcript NM_206933.4 (MANE Select); coding-DNA position 6805, G replaced by C.
Protein change: p.Gly2269Arg; replaces glycine 2269 with arginine.
Molecular consequence: missense variant.
Genome position (GRCh38, 1-based): chr1:215,993,020, C>G on the plus strand (G>C on the coding strand, the complement: USH2A is on the minus strand). VCF-style: chr1-215993020-C-G. GRCh37 (hg19) VCF-style: chr1-216166362-C-G.
Other names: short protein forms G2269R.
Identifiers: ClinVar variation 1466320 (VCV001466320.8), dbSNP rs1668037260, ClinGen allele CA344860094.

ClinVar aggregate classification (germline): Conflicting classifications of pathogenicity. Review status: criteria provided, conflicting classifications (1 of 4 stars). 2 submissions from 2 submitters: Likely pathogenic (1); Uncertain significance (1). Last evaluated 2025-07-02.

Submissions (2):

Women's Health and Genetics/Laboratory Corporation of America, LabCorp
Classification: Uncertain significance. Last evaluated: 2025-07-02. Review status: criteria provided, single submitter. Criteria: LabCorp Variant Classification Summary - May 2015. Collection method: clinical testing. Allele origin: germline.
Comment: Variant summary: USH2A c.6805G>C (p.Gly2269Arg) results in a non-conservative amino acid change in the encoded protein sequence. Algorithms developed to predict the effect of missense changes on protein structure and function all suggest that this variant is likely to be disruptive. Consensus agreement among computation tools predict no significant impact on normal splicing. However, these predictions have yet to be confirmed by functional studies. The variant was absent in 251148 control chromosomes. The available data on variant occurrences in the general population are insufficient to allow any conclusion about variant significance. To our knowledge, no occurrence of c.6805G>C in individuals affected with Usher Syndrome and no experimental evidence demonstrating its impact on protein function have been reported. ClinVar contains an entry for this variant (Variation ID: 1466320). Based on the evidence outlined above, the variant was classified as uncertain significance.

Labcorp Genetics (formerly Invitae), Labcorp
Classification: Likely pathogenic. Last evaluated: 2022-09-12. Review status: criteria provided, single submitter. Criteria: Invitae Variant Classification Sherloc (09022015). Collection method: clinical testing. Allele origin: germline.
Comment: In summary, the currently available evidence indicates that the variant is pathogenic, but additional data are needed to prove that conclusively. Therefore, this variant has been classified as Likely Pathogenic. Variants that disrupt the consensus splice site are a relatively common cause of aberrant splicing (PMID: 17576681, 9536098). Algorithms developed to predict the effect of missense changes on protein structure and function (SIFT, PolyPhen-2, Align-GVGD) all suggest that this variant is likely to be disruptive. ClinVar contains an entry for this variant (Variation ID: 1466320). This missense change has been observed in individual(s) with Usher syndrome (Invitae). This variant is not present in population databases (gnomAD no frequency). This sequence change replaces glycine, which is neutral and non-polar, with arginine, which is basic and polar, at codon 2269 of the USH2A protein (p.Gly2269Arg). This variant also falls at the last nucleotide of exon 35, which is part of the consensus splice site for this exon.

Literature cited by the submitters: PubMed 17576681 (cited by Labcorp Genetics (formerly Invitae), Labcorp); PubMed 9536098 (cited by Labcorp Genetics (formerly Invitae), Labcorp).